The following is an entry in ClinVar:

NM_020937.4(FANCM):c.3729T>A (p.Asp1243Glu)

Gene: FANCM (FA complementation group M; plus strand). Cytogenetic location: 14q21.2.
Variant type: single nucleotide variant.
Coding change: c.3729T>A on transcript NM_020937.4 (MANE Select); coding-DNA position 3729, T replaced by A.
Protein change: p.Asp1243Glu; replaces aspartic acid 1243 with glutamic acid.
Molecular consequence: missense variant.
Genome position (GRCh38, 1-based): chr14:45,176,483, T>A. VCF-style: chr14-45176483-T-A. GRCh37 (hg19) VCF-style: chr14-45645686-T-A.
Other names: c.3651T>A, p.Asp1217Glu (NM_001308133.2); short protein forms D1217E, D1243E.
Identifiers: ClinVar variation 5021536 (VCV005021536.1).
Genomic context (GRCh38, chr14:45,176,483, plus strand): 5'-CTCTAGGGATTTATTTTCTGTTACCTTTGATTTAGGATTCTGTAGTCCAGATTCTGATGA[T>A]GAAATATTGGAACATACATCAGATAGCAATAGACCTCTAGATGATCTATATGGAAGGTAT-3'
Protein context (NP_065988.1, residues 1233-1253): DLGFCSPDSD[Asp1243Glu]EILEHTSDSN

ClinVar aggregate classification (germline): Uncertain significance (1 of 4 stars; one submission).

Conditions:
Inborn genetic diseases. Identifiers: MedGen C0950123, MeSH D030342.

gnomAD v4.1: 1 of 1,609,396 alleles (0.000062%); highest among the groups gnomAD compares: South Asian, 0.0011%; no homozygotes.

Submission:

Ambry Genetics
Classification: Uncertain significance for Inborn genetic diseases. Last evaluated: 2026-09-04. Review status: criteria provided, single submitter. Criteria: Ambry Variant Classification Scheme 2023. Collection method: clinical testing. Allele origin: germline.
Comment: The p.D1243E variant (also known as c.3729T>A), located in coding exon 14 of the FANCM gene, results from a T to A substitution at nucleotide position 3729. The aspartic acid at codon 1243 is replaced by glutamic acid, an amino acid with highly similar properties. This amino acid position is conserved. In addition, this alteration is predicted to be tolerated by in silico analysis. Based on the available evidence, the clinical significance of this variant remains unclear.